The following is an entry in ClinVar:

ClinVar aggregate classification (germline): Uncertain significance (1 of 4 stars; one submission).

Allele frequency attached by ClinVar (database versions not stated): gnomAD exomes below 0.00001; ExAC 0.00001; gnomAD 0.00001; 1000 Genomes Project 30x 0.00016; 1000 Genomes Project 0.00020.
gnomAD v4.1: 8 of 1,614,170 alleles (0.0005%); highest among the groups gnomAD compares: African/African-American, 0.0013%; no homozygotes.

Submission:

Ambry Genetics
Classification: Uncertain significance. Last evaluated: 2023-04-08. Review status: criteria provided, single submitter. Criteria: Ambry Variant Classification Scheme 2023. Collection method: clinical testing. Allele origin: germline.
Comment: The p.V58L variant (also known as c.172G>C), located in coding exon 1 of the SLMAP gene, results from a G to C substitution at nucleotide position 172. The valine at codon 58 is replaced by leucine, an amino acid with highly similar properties. This amino acid position is conserved. In addition, the in silico prediction for this alteration is inconclusive. Since supporting evidence is limited at this time, the clinical significance of this alteration remains unclear.

NM_001377540.1(SLMAP):c.172G>C (p.Val58Leu)

Gene: SLMAP (sarcolemma associated protein; plus strand). Cytogenetic location: 3p14.3.
Variant type: single nucleotide variant.
Coding change: c.172G>C on transcript NM_001377540.1 (MANE Select); coding-DNA position 172, G replaced by C.
Protein change: p.Val58Leu; replaces valine 58 with leucine.
Molecular consequence: missense variant. On other transcripts: non-coding transcript variant (1).
Genome position (GRCh38, 1-based): chr3:57,757,823, G>C. VCF-style: chr3-57757823-G-C. GRCh37 (hg19) VCF-style: chr3-57743550-G-C.
Other names: c.172G>C, p.Val58Leu (NM_001304420.3, NM_001304421.2, NM_001377538.1 and 17 more transcripts); short protein forms V58L.
Identifiers: ClinVar variation 2562984 (VCV002562984.2), dbSNP rs540039526, ClinGen allele CA2466719.